The following is an entry in ClinVar:

ClinVar aggregate classification (germline): Uncertain significance (1 of 4 stars; one submission).

Conditions:
Congenital myasthenic syndrome (CMS). Also called: Congenital Myasthenic Syndromes. Identifiers: Orphanet 590, MedGen C0751882, MeSH D020294, MONDO:0018940.

Submission:

Myriad Genetics, Inc.
Classification: Uncertain significance for Congenital myasthenic syndrome. Last evaluated: 2025-09-08. Review status: criteria provided, single submitter. Criteria: Myriad Autosomal Dominant, Autosomal Recessive and X-Linked Classification Criteria (2023). Collection method: clinical testing. Allele origin: unknown.
Comment: NM_000080.3(CHRNE):c.190-1G>A is a variant in a canonical splice site classified as a variant of uncertain significance in the context of congenital myasthenic syndrome, CHRNE-related. c.190-1G>A has not been observed in cases with relevant disease. Relevant functional assessments of this variant are not available in the literature. c.190-1G>A has not been observed in referenced population frequency databases. In summary, there is insufficient evidence to classify NM_000080.3(CHRNE):c.190-1G>A as pathogenic or benign. Please note: this variant was assessed in the context of healthy population screening.

NM_000080.4(CHRNE):c.190-1G>A

Genes: C17orf107 (chromosome 17 open reading frame 107; plus strand), CHRNE (cholinergic receptor nicotinic epsilon subunit; minus strand). Cytogenetic location: 17p13.2.
Variant type: single nucleotide variant.
Coding change: c.190-1G>A on transcript NM_000080.4 (MANE Select); the canonical splice acceptor site of the intron before coding-DNA position 190, G replaced by A.
Molecular consequence: splice acceptor variant. On other transcripts: 3 prime UTR variant (1).
Genome position (GRCh38, 1-based): chr17:4,902,495, C>T on the plus strand (G>A on the coding strand, the complement: CHRNE is on the minus strand). VCF-style: chr17-4902495-C-T. GRCh37 (hg19) VCF-style: chr17-4805790-C-T.
Other names: c.*1962C>T (NM_001145536.2).
Identifiers: ClinVar variation 5004154 (VCV005004154.1).